The following is an entry in ClinVar:

NM_001395333.1(MTCL1):c.828G>A (p.Ala276=)

Genes: GACAT2 (gastric cancer associated transcript 2; minus strand), MTCL1 (microtubule crosslinking factor 1; plus strand). Cytogenetic location: 18p11.22.
Variant type: single nucleotide variant.
Coding change: c.828G>A on transcript NM_001395333.1 (MANE Select); coding-DNA position 828, G replaced by A.
Protein change: p.Ala276=; no amino-acid change (alanine 276 retained).
Molecular consequence: synonymous variant.
Genome position (GRCh38, 1-based): chr18:8,706,488, G>A. VCF-style: chr18-8706488-G-A. GRCh37 (hg19) VCF-style: chr18-8706486-G-A.
Other names: c.828G>A, p.Ala276= (NM_001378205.1, NM_001378206.1, NM_001378207.1).
Identifiers: ClinVar variation 3068677 (VCV003068677.1), dbSNP rs151052217, ClinGen allele CA8885405.

ClinVar aggregate classification (germline): Benign (1 of 4 stars; one submission).

Conditions:
Cerebellar ataxia. Identifiers: Orphanet 102002, MedGen C0007758, MONDO:0000437.

Allele frequency attached by ClinVar (database versions not stated): 1000 Genomes Project 0.01018; gnomAD 0.01488; gnomAD exomes 0.01970; ExAC 0.10714; 1000 Genomes Project 30x 0.01046; TOPMed 0.01507.
gnomAD v4.1: 24,449 of 1,269,540 alleles (1.9%); highest among the groups gnomAD compares: Middle Eastern, 4.6%; 306 homozygotes.

Submission:

Molecular Genetics, Royal Melbourne Hospital
Classification: Benign for Cerebellar ataxia. Last evaluated: 2023-05-04. Review status: criteria provided, single submitter. Criteria: ACMG Guidelines, 2015. Collection method: clinical testing. Allele origin: germline. Affected: yes.
Comment: European Non-Finnish population allele frequency is 1.223% (rs151052217, 239/15674 alleles, 1 homozygotes in gnomAD v2.1). Based on the classification scheme RMH Modified ACMG/AMP Guidelines v1.5.1, this variant is classified as BENIGN. Following criteria are met: BA1